The following is an entry in ClinVar:

ClinVar aggregate classification (germline): Uncertain significance (1 of 4 stars; one submission).

Conditions:
Familial thoracic aortic aneurysm and aortic dissection (TAAD). Also called: Thoracic aortic aneurysms and dissections. Identifiers: Orphanet 91387, MedGen C4707243, MONDO:0019625.

Allele frequency attached by ClinVar (database versions not stated): TOPMed below 0.00001.

Submission:

Color Diagnostics, LLC DBA Color Health
Classification: Uncertain significance for Familial thoracic aortic aneurysm and aortic dissection. Last evaluated: 2020-12-13. Review status: criteria provided, single submitter. Criteria: ACMG Guidelines, 2015. Collection method: clinical testing. Allele origin: germline.
Comment: This variant causes a C to G nucleotide substitution at the -15 position of intron 10 of the MYH11 gene. To our knowledge, functional studies have not been reported for this variant. This variant has not been reported in individuals affected with cardiovascular disorders in the literature. This variant has not been identified in the general population by the Genome Aggregation Database (gnomAD). The available evidence is insufficient to determine the role of this variant in disease conclusively. Therefore, this variant is classified as a Variant of Uncertain Significance.

NM_002474.3(MYH11):c.1034-15C>G

Gene: MYH11 (myosin heavy chain 11; minus strand). Cytogenetic location: 16p13.11.
Variant type: single nucleotide variant.
Coding change: c.1034-15C>G on transcript NM_002474.3 (MANE Select); 15 bases into the intron before coding-DNA position 1034, C replaced by G.
Molecular consequence: intron variant.
Genome position (GRCh38, 1-based): chr16:15,763,906, G>C on the plus strand (C>G on the coding strand, the complement: MYH11 is on the minus strand). VCF-style: chr16-15763906-G-C. GRCh37 (hg19) VCF-style: chr16-15857763-G-C.
Other names: c.1034-15C>G (NM_022844.3); c.1055-15C>G (NM_001040114.2, NM_001040113.2).
Identifiers: ClinVar variation 1172469 (VCV001172469.2), dbSNP rs2041924862, ClinGen allele CA2209938683.